The following is an entry in ClinVar:

NM_003737.4(DCHS1):c.4329G>A (p.Leu1443=)

Gene: DCHS1 (dachsous cadherin-related 1; minus strand). Cytogenetic location: 11p15.4.
Variant type: single nucleotide variant.
Coding change: c.4329G>A on transcript NM_003737.4 (MANE Select); coding-DNA position 4329, G replaced by A.
Protein change: p.Leu1443=; no amino-acid change (leucine 1443 retained).
Molecular consequence: synonymous variant.
Genome position (GRCh38, 1-based): chr11:6,630,465, C>T on the plus strand (G>A on the coding strand, the complement: DCHS1 is on the minus strand). VCF-style: chr11-6630465-C-T. GRCh37 (hg19) VCF-style: chr11-6651696-C-T.
Other names: c.4329G>A (NM_003737.3).
Identifiers: ClinVar variation 4750770 (VCV004750770.2).
Genomic context (GRCh38, chr11:6,630,465, plus strand): 5'-GGCGTCCGACGCGCGGAAAGTGTACAGCGCTGCGCCGGGCTCCGGGTTCTCTGGCAGCGC[C>T]AGCGCCAGCGGGTCGCGCGCAAAGGCGGGCGCATGCTCATTCTCGTCCTGCACTTGCACC-3'
Protein context (NP_003728.1, residues 1433-1453): APAFARDPLA[Leu1443=]ALPENPEPGA

ClinVar aggregate classification (germline): Likely benign. Review status: criteria provided, multiple submitters, no conflicts (2 of 4 stars). 2 submissions from 2 submitters: Likely benign (2). Last evaluated 2026-01-11.

Conditions:
DCHS1-related disorder. Also called: DCHS1-related condition.

gnomAD v4.1: 7 of 1,523,634 alleles (0.00046%); highest among the groups gnomAD compares: African/African-American, 0.01%; no homozygotes.

Submissions (2):

PreventionGenetics, part of Exact Sciences
Classification: Likely benign for DCHS1-related condition. Last evaluated: 2026-01-11. Review status: criteria provided, single submitter. Criteria: ACMG Guidelines, 2015. Collection method: clinical testing. Allele origin: germline.
Comment: This variant is classified as likely benign based on ACMG/AMP sequence variant interpretation guidelines (Richards et al. 2015 PMID: 25741868, with internal and published modifications).

Labcorp Genetics (formerly Invitae), Labcorp
Classification: Likely benign. Last evaluated: 2025-04-07. Review status: criteria provided, single submitter. Criteria: Invitae Variant Classification Sherloc (09022015). Collection method: clinical testing. Allele origin: germline.